The following is an entry in ClinVar:

NM_004667.6(HERC2):c.815C>T (p.Thr272Met)

Gene: HERC2 (HECT and RLD domain containing E3 ubiquitin protein ligase 2; minus strand). Cytogenetic location: 15q13.1.
Variant type: single nucleotide variant.
Coding change: c.815C>T on transcript NM_004667.6 (MANE Select); coding-DNA position 815, C replaced by T.
Protein change: p.Thr272Met; replaces threonine 272 with methionine.
Molecular consequence: missense variant.
Genome position (GRCh38, 1-based): chr15:28,272,990, G>A on the plus strand (C>T on the coding strand, the complement: HERC2 is on the minus strand). VCF-style: chr15-28272990-G-A. GRCh37 (hg19) VCF-style: chr15-28518136-G-A.
Other names: short protein forms T272M.
Identifiers: ClinVar variation 218649 (VCV000218649.4), dbSNP rs201979656, ClinGen allele CA249163.
Genomic context (GRCh38, chr15:28,272,990, plus strand): 5'-ATGGCCAGGGCCAAGTGCTGGTCCTGCAGGGGGATGCTTCCTGGCCCTTTGGTGGCTGGC[G>A]TTCCGTGAACATCCCTGAAATGAAAGCAGTGGATGCAGGAACAAAGCAACCTCCAGAAAG-3'
Protein context (NP_004658.3, residues 262-282): RSVVTGDVHG[Thr272Met]PATKGPGSIP

ClinVar aggregate classification (germline): Conflicting classifications of pathogenicity. Review status: criteria provided, conflicting classifications (1 of 4 stars). 2 submissions from 2 submitters: Uncertain significance (1); Benign (1). Last evaluated 2021-04-15.

Allele frequency attached by ClinVar (database versions not stated): gnomAD 0.00011; gnomAD exomes 0.00013; TOPMed 0.00028; 1000 Genomes Project 0.00040; 1000 Genomes Project 30x 0.00047; ExAC 0.06063.
gnomAD v4.1: 210 of 1,612,280 alleles (0.013%); highest among the groups gnomAD compares: Admixed American, 0.3%; no homozygotes.

Submissions (2):

GeneDx
Classification: Uncertain significance. Last evaluated: 2021-04-15. Review status: criteria provided, single submitter. Criteria: GeneDx Variant Classification Process June 2021. Collection method: clinical testing. Allele origin: germline. Affected: yes.
Comment: In silico analysis supports that this missense variant does not alter protein structure/function; Has not been previously published as pathogenic or benign to our knowledge

Genomic Diagnostic Laboratory, Division of Genomic Diagnostics, Children's Hospital of Philadelphia
Classification: Benign. Last evaluated: 2015-02-13. Review status: criteria provided, single submitter. Criteria: DGD Variant Analysis Guidelines. Collection method: clinical testing. Allele origin: unknown.